The following is an entry in ClinVar:

NM_032608.7(MYO18B):c.6100G>A (p.Asp2034Asn)

Gene: MYO18B (myosin XVIIIB; plus strand). Cytogenetic location: 22q12.1.
Variant type: single nucleotide variant.
Coding change: c.6100G>A on transcript NM_032608.7 (MANE Select); coding-DNA position 6100, G replaced by A.
Protein change: p.Asp2034Asn; replaces aspartic acid 2034 with asparagine.
Molecular consequence: missense variant.
Genome position (GRCh38, 1-based): chr22:25,955,308, G>A. VCF-style: chr22-25955308-G-A. GRCh37 (hg19) VCF-style: chr22-26351274-G-A.
Other names: c.6103G>A, p.Asp2035Asn (NM_001318245.2); short protein forms D2034N, D2035N.
Identifiers: ClinVar variation 2181896 (VCV002181896.4), dbSNP rs758999806, ClinGen allele CA10161395.

ClinVar aggregate classification (germline): Uncertain significance (1 of 4 stars; one submission).

Allele frequency attached by ClinVar (database versions not stated): gnomAD exomes 0.00001; ExAC 0.00002; TOPMed 0.00002.
gnomAD v4.1: 10 of 1,613,842 alleles (0.00062%); highest among the groups gnomAD compares: African/African-American, 0.0027%; no homozygotes.

Submission:

Labcorp Genetics (formerly Invitae), Labcorp
Classification: Uncertain significance. Last evaluated: 2022-08-16. Review status: criteria provided, single submitter. Criteria: Invitae Variant Classification Sherloc (09022015). Collection method: clinical testing. Allele origin: germline.
Comment: In summary, the available evidence is currently insufficient to determine the role of this variant in disease. Therefore, it has been classified as a Variant of Uncertain Significance. Algorithms developed to predict the effect of missense changes on protein structure and function are either unavailable or do not agree on the potential impact of this missense change (SIFT: "Not Available"; PolyPhen-2: "Possibly Damaging"; Align-GVGD: "Not Available"). This variant has not been reported in the literature in individuals affected with MYO18B-related conditions. This variant is present in population databases (rs758999806, gnomAD 0.003%). This sequence change replaces aspartic acid with asparagine at codon 2034 of the MYO18B protein (p.Asp2034Asn). The aspartic acid residue is weakly conserved and there is a small physicochemical difference between aspartic acid and asparagine.